The following is an entry in ClinVar:

ClinVar aggregate classification (germline): Uncertain significance (1 of 4 stars; one submission).

Allele frequency attached by ClinVar (database versions not stated): gnomAD exomes below 0.00001; TOPMed 0.00001.
gnomAD v4.1: 1 of 1,614,252 alleles (0.000062%); highest among the groups gnomAD compares: Non-Finnish European, 0.000085%; no homozygotes.

Submission:

Labcorp Genetics (formerly Invitae), Labcorp
Classification: Uncertain significance. Last evaluated: 2023-09-05. Review status: criteria provided, single submitter. Criteria: Invitae Variant Classification Sherloc (09022015). Collection method: clinical testing. Allele origin: germline.
Comment: In summary, the available evidence is currently insufficient to determine the role of this variant in disease. Therefore, it has been classified as a Variant of Uncertain Significance. Advanced modeling of protein sequence and biophysical properties (such as structural, functional, and spatial information, amino acid conservation, physicochemical variation, residue mobility, and thermodynamic stability) performed at Invitae indicates that this missense variant is not expected to disrupt KCNQ5 protein function. This variant has not been reported in the literature in individuals affected with KCNQ5-related conditions. This variant is not present in population databases (gnomAD no frequency). This sequence change replaces glutamine, which is neutral and polar, with glutamic acid, which is acidic and polar, at codon 731 of the KCNQ5 protein (p.Gln731Glu).

NM_019842.4(KCNQ5):c.2134C>G (p.Gln712Glu)

Gene: KCNQ5 (potassium voltage-gated channel subfamily Q member 5; plus strand). Cytogenetic location: 6q13.
Variant type: single nucleotide variant.
Coding change: c.2134C>G on transcript NM_019842.4 (MANE Select); coding-DNA position 2134, C replaced by G.
Protein change: p.Gln712Glu; replaces glutamine 712 with glutamic acid.
Molecular consequence: missense variant.
Genome position (GRCh38, 1-based): chr6:73,194,749, C>G. VCF-style: chr6-73194749-C-G. GRCh37 (hg19) VCF-style: chr6-73904472-C-G.
Other names: c.2107C>G, p.Gln703Glu (NM_001160130.2); c.2164C>G, p.Gln722Glu (NM_001160132.2); c.2191C>G, p.Gln731Glu (NM_001160133.2); c.1804C>G, p.Gln602Glu (NM_001160134.2); short protein forms Q602E, Q731E, Q703E, Q712E, Q722E.
Identifiers: ClinVar variation 2758139 (VCV002758139.3), dbSNP rs1423418301, ClinGen allele CA364695319.